The following is an entry in ClinVar:

NM_000535.7(PMS2):c.125T>C (p.Leu42Ser)

Gene: PMS2 (PMS1 homolog 2, mismatch repair system component; minus strand). Cytogenetic location: 7p22.1.
Variant type: single nucleotide variant.
Coding change: c.125T>C on transcript NM_000535.7 (MANE Select); coding-DNA position 125, T replaced by C.
Protein change: p.Leu42Ser; replaces leucine 42 with serine.
Molecular consequence: missense variant. On other transcripts: 5 prime UTR variant (8), non-coding transcript variant (1), intron variant (3).
Genome position (GRCh38, 1-based): chr7:6,005,930, A>G on the plus strand (T>C on the coding strand, the complement: PMS2 is on the minus strand). VCF-style: chr7-6005930-A-G. GRCh37 (hg19) VCF-style: chr7-6045561-A-G.
Other names: c.-281T>C (NM_001018040.1, NM_001322003.2, NM_001322005.2 and 11 more transcripts); c.125T>C, p.Leu42Ser (NM_001322006.2, NM_001322014.2, NM_001406868.1 and 10 more transcripts); c.-91T>C (NM_001322007.2, NM_001406876.1, NM_001406883.1 and 4 more transcripts); c.-760T>C (NM_001322011.2, NM_001322012.2); c.-360T>C (NM_001322015.2, NM_001406875.1, NM_001406877.1 and 2 more transcripts); c.311T>C, p.Leu104Ser (NM_001406866.1); c.-307T>C (NM_001406880.1); c.-228T>C (NM_001406888.1, NM_001406889.1, NM_001406892.1 and 5 more transcripts); and 4 more; short protein forms L104S, L42S.
Identifiers: ClinVar variation 1762820 (VCV001762820.2), dbSNP rs2128844640, ClinGen allele CA366745017.

ClinVar aggregate classification (germline): Uncertain significance (1 of 4 stars; one submission).

Conditions:
Hereditary cancer-predisposing syndrome. Also called: Neoplastic Syndromes, Hereditary; Tumor predisposition; Hereditary Cancer Syndrome; Hereditary neoplastic syndrome. Identifiers: Orphanet 140162, MedGen C0027672, MeSH D009386, MONDO:0015356.

Submission:

Ambry Genetics
Classification: Uncertain significance for Hereditary cancer-predisposing syndrome. Last evaluated: 2021-05-19. Review status: criteria provided, single submitter. Criteria: Ambry Variant Classification Scheme 2023. Collection method: clinical testing. Allele origin: germline.
Comment: The p.L42S variant (also known as c.125T>C), located in coding exon 2 of the PMS2 gene, results from a T to C substitution at nucleotide position 125. The leucine at codon 42 is replaced by serine, an amino acid with dissimilar properties. This amino acid position is highly conserved in available vertebrate species. In addition, this alteration is predicted to be deleterious by in silico analysis. Since supporting evidence is limited at this time, the clinical significance of this alteration remains unclear.